The following is an entry in ClinVar:

ClinVar aggregate classification (germline): Pathogenic (1 of 4 stars; one submission).

Conditions:
Gorlin syndrome. Also called: Nevoid Basal Cell Carcinoma Syndrome; Basal cell nevus syndrome. Identifiers: Orphanet 377, MedGen C0004779, MONDO:0007187.

Submission:

Labcorp Genetics (formerly Invitae), Labcorp
Classification: Pathogenic for Gorlin syndrome. Last evaluated: 2021-02-01. Review status: criteria provided, single submitter. Criteria: Invitae Variant Classification Sherloc (09022015). Collection method: clinical testing. Allele origin: germline.
Comment: This variant is not present in population databases (ExAC no frequency). This sequence change affects an acceptor splice site in intron 11 of the PTCH1 gene. It is expected to disrupt RNA splicing and likely results in an absent or disrupted protein product. Disruption of this splice site has been observed in individual(s) with clinical features of Gorlin syndrome (PMID: 24814739, Invitae). For these reasons, this variant has been classified as Pathogenic. Donor and acceptor splice site variants typically lead to a loss of protein function (PMID: 16199547), and loss-of-function variants in PTCH1 are known to be pathogenic (PMID: 16301862, 16419085). Algorithms developed to predict the effect of sequence changes on RNA splicing suggest that this variant may disrupt the consensus splice site, but this prediction has not been confirmed by published transcriptional studies.

Literature cited by the submitters: PubMed 24814739; PubMed 16199547; PubMed 16301862; PubMed 16419085.

NM_000264.5(PTCH1):c.1603-1G>A

Gene: PTCH1 (patched 1; minus strand). Cytogenetic location: 9q22.32.
Variant type: single nucleotide variant.
Coding change: c.1603-1G>A on transcript NM_000264.5 (MANE Select); the canonical splice acceptor site of the intron before coding-DNA position 1603, G replaced by A.
Molecular consequence: splice acceptor variant.
Genome position (GRCh38, 1-based): chr9:95,476,160, C>T on the plus strand (G>A on the coding strand, the complement: PTCH1 is on the minus strand). VCF-style: chr9-95476160-C-T. GRCh37 (hg19) VCF-style: chr9-98238442-C-T.
Other names: c.1600-1G>A (NM_001083603.3); c.1405-1G>A (NM_001083602.3); c.1447-1G>A (NM_001354918.2); c.1150-1G>A (NM_001083605.3, NM_001083604.3, NM_001083606.3 and 1 more transcripts).
Identifiers: ClinVar variation 1069426 (VCV001069426.9), dbSNP rs2118262541, ClinGen allele CA374118133.